The following is an entry in ClinVar:

NM_001145438.3(PGAP2):c.-30A>G

Gene: PGAP2 (post-GPI attachment to proteins 2; plus strand). Cytogenetic location: 11p15.4.
Variant type: single nucleotide variant.
Coding change: c.-30A>G on transcript NM_001145438.3; 30 bases upstream of the start codon, A replaced by G.
Molecular consequence: 5 prime UTR variant. On other transcripts: non-coding transcript variant (9), splice acceptor variant (2), synonymous variant (1), missense variant (2).
Genome position (GRCh38, 1-based): chr11:3,808,296, A>G. VCF-style: chr11-3808296-A-G. GRCh37 (hg19) VCF-style: chr11-3829526-A-G.
Other names: c.-28-2A>G (NM_001346398.2, NM_001346400.2); c.6A>G, p.Val2= (NM_001346402.2); c.-30A>G (NM_001346403.1, NM_001346404.1, NM_001346405.1 and 4 more transcripts); c.-61A>G (NM_001256235.2); c.-60A>G (NM_001283039.2); c.142A>G, p.Arg48Gly (NM_001283040.1); c.124A>G, p.Arg42Gly (NM_001346397.2); c.-233A>G (NM_001346399.2, NM_001346401.2); short protein forms R42G, R48G.
Identifiers: ClinVar variation 2255516 (VCV002255516.24), dbSNP rs1487813766, ClinGen allele CA379185849.
Genomic context (GRCh38, chr11:3,808,296, plus strand): 5'-CGGGCGGATGAGAAAGAAATCCGGCCCCTGTTGAATTAATTTTGTGTTCTTTCAACAGGT[A>G]GATGGAACGCAGCTGAGAGGTAAGGCGACAAGGTGGCTTATCCAACATGCTCAAACTCAG-3'

ClinVar aggregate classification (germline): Conflicting classifications of pathogenicity. Review status: criteria provided, conflicting classifications (1 of 4 stars). 2 submissions from 2 submitters: Uncertain significance (1); Likely benign (1). Last evaluated 2022-04-01.

Conditions:
Inborn genetic diseases. Identifiers: MedGen C0950123, MeSH D030342.

Allele frequency attached by ClinVar (database versions not stated): gnomAD exomes 0.00001; TOPMed 0.00001.
gnomAD v4.1: 17 of 1,551,528 alleles (0.0011%); highest among the groups gnomAD compares: Middle Eastern, 0.017%; no homozygotes.

Submissions (2):

CeGaT Center for Human Genetics Tuebingen
Classification: Likely benign. Last evaluated: 2022-04-01. Review status: criteria provided, single submitter. Criteria: CeGaT Center For Human Genetics Tuebingen Variant Classification Criteria Version 2. Collection method: clinical testing. Allele origin: germline. Affected: yes. Observed: 1 variant allele.
Comment: PGAP2: BP4

Ambry Genetics
Classification: Uncertain significance for Inborn genetic diseases. Last evaluated: 2021-10-20. Review status: criteria provided, single submitter. Criteria: Ambry Variant Classification Scheme 2023. Collection method: clinical testing. Allele origin: germline.